The following is an entry in ClinVar:

ClinVar aggregate classification (germline): Conflicting classifications of pathogenicity. Review status: criteria provided, conflicting classifications (1 of 4 stars). 7 submissions from 7 submitters: Uncertain significance (3); Benign (1); Likely benign (3). Last evaluated 2025-12-15.

Conditions:
Tuberous sclerosis syndrome (TSC). Also called: Tuberous sclerosis; Tuberous Sclerosis Complex. Identifiers: Orphanet 805, MedGen C0041341, MONDO:0001734.
Hereditary cancer-predisposing syndrome. Also called: Neoplastic Syndromes, Hereditary; Hereditary neoplastic syndrome; Tumor predisposition; Hereditary Cancer Syndrome. Identifiers: Orphanet 140162, MedGen C0027672, MeSH D009386, MONDO:0015356.
Tuberous sclerosis 2 (TSC2). Identifiers: Orphanet 805, MedGen C1860707, MONDO:0013199, OMIM 613254.

Allele frequency attached by ClinVar (database versions not stated): TOPMed below 0.00001; ExAC 0.00001; gnomAD 0.00001; gnomAD exomes 0.00001 and 0.00002.

Submissions (7):

Labcorp Genetics (formerly Invitae), Labcorp
Classification: Likely benign for Tuberous sclerosis 2. Last evaluated: 2025-12-15. Review status: criteria provided, single submitter. Criteria: Invitae Variant Classification Sherloc (09022015). Collection method: clinical testing. Allele origin: germline.

Color Diagnostics, LLC DBA Color Health
Classification: Uncertain significance for Tuberous sclerosis syndrome. Last evaluated: 2025-07-15. Review status: criteria provided, single submitter. Criteria: ACMG Guidelines, 2015. Collection method: clinical testing. Allele origin: germline.
Comment: This missense variant replaces methionine with valine at codon 1030 of the TSC2 protein. Computational prediction suggests that this variant may have deleterious impact on protein structure and function. To our knowledge, functional studies have not been reported for this variant. This variant has not been reported in individuals affected with TSC2-related disorders in the literature. This variant has been identified in 3/282074 chromosomes in the general population by the Genome Aggregation Database (gnomAD). The available evidence is insufficient to determine the role of this variant in disease conclusively. Therefore, this variant is classified as a Variant of Uncertain Significance.

Quest Diagnostics Nichols Institute San Juan Capistrano
Classification: Uncertain significance. Last evaluated: 2024-06-10. Review status: criteria provided, single submitter. Criteria: Quest Diagnostics criteria. Collection method: clinical testing. Allele origin: unknown.

St. Jude Molecular Pathology, St. Jude Children's Research Hospital
Classification: Uncertain significance for Tuberous sclerosis 2. Last evaluated: 2022-12-20. Review status: criteria provided, single submitter. Criteria: St. Jude Assertion Criteria 2020. Collection method: clinical testing. Allele origin: germline.
Comment: The TSC2 c.3088A>G (p.Met1030Val) missense change has a maximum non-founder subpopulation frequency of 0.0016% in gnomAD v2.1.1. The in silico tool REVEL predicts a deleterious effect on protein function, but to our knowledge this prediction has not been confirmed by functional studies. To our knowledge, this variant has not been reported in individuals with tuberous sclerosis complex. In summary, the evidence currently available is insufficient to determine the clinical significance of this variant. It has therefore been classified as of uncertain significance.

Ambry Genetics
Classification: Likely benign for Hereditary cancer-predisposing syndrome. Last evaluated: 2022-08-01. Review status: criteria provided, single submitter. Criteria: Ambry Variant Classification Scheme 2023. Collection method: clinical testing. Allele origin: germline.

Genome-Nilou Lab
Classification: Benign for Tuberous sclerosis 2. Last evaluated: 2021-11-07. Review status: criteria provided, single submitter. Criteria: ACMG Guidelines, 2015. Collection method: clinical testing. Allele origin: germline. Affected: no.

GeneDx
Classification: Likely benign. Last evaluated: 2016-08-26. Review status: criteria provided, single submitter. Criteria: GeneDx Variant Classification (06012015). Collection method: clinical testing. Allele origin: germline. Affected: yes.
Comment: This variant is considered likely benign or benign based on one or more of the following criteria: it is a conservative change, it occurs at a poorly conserved position in the protein, it is predicted to be benign by multiple in silico algorithms, and/or has population frequency not consistent with disease.

NM_000548.5(TSC2):c.3088A>G (p.Met1030Val)

Gene: TSC2 (TSC complex subunit 2; plus strand). Cytogenetic location: 16p13.3.
Variant type: single nucleotide variant.
Coding change: c.3088A>G on transcript NM_000548.5 (MANE Select); coding-DNA position 3088, A replaced by G.
Protein change: p.Met1030Val; replaces methionine 1030 with valine.
Molecular consequence: missense variant.
Genome position (GRCh38, 1-based): chr16:2,079,153, A>G. VCF-style: chr16-2079153-A-G. GRCh37 (hg19) VCF-style: chr16-2129154-A-G.
Other names: c.2956A>G, p.Met986Val (NM_001077183.3, NM_001370404.1); c.3088A>G, p.Met1030Val (NM_001114382.3); c.2848A>G, p.Met950Val (NM_001318827.2); c.2812A>G, p.Met938Val (NM_001318829.2); c.2356A>G, p.Met786Val (NM_001318831.2); c.2989A>G, p.Met997Val (NM_001318832.2); c.2959A>G, p.Met987Val (NM_001363528.2, NM_001370405.1, NM_021055.3); short protein forms M1030V, M986V, M987V, M950V, M997V, M786V, M938V.
Identifiers: ClinVar variation 386865 (VCV000386865.17), dbSNP rs754276150, ClinGen allele CA044156.